The following is an entry in ClinVar:

NM_001035.3(RYR2):c.9129G>A (p.Arg3043=)

Gene: RYR2 (ryanodine receptor 2; plus strand). Cytogenetic location: 1q43.
Variant type: single nucleotide variant.
Coding change: c.9129G>A on transcript NM_001035.3 (MANE Select); coding-DNA position 9129, G replaced by A.
Protein change: p.Arg3043=; no amino-acid change (arginine 3043 retained).
Molecular consequence: synonymous variant.
Genome position (GRCh38, 1-based): chr1:237,700,229, G>A. VCF-style: chr1-237700229-G-A. GRCh37 (hg19) VCF-style: chr1-237863529-G-A.
Other names: c.9129G>A (NM_001035.2).
Identifiers: ClinVar variation 1473755 (VCV001473755.10), dbSNP rs1687847434, ClinGen allele CA424031211.

ClinVar aggregate classification (germline): Uncertain significance. Review status: criteria provided, multiple submitters, no conflicts (2 of 4 stars). 2 submissions from 2 submitters: Uncertain significance (2). Last evaluated 2026-04-14.

Conditions:
Cardiovascular phenotype. Identifiers: MedGen CN230736.
Catecholaminergic polymorphic ventricular tachycardia 1. Also called: VENTRICULAR TACHYCARDIA, CATECHOLAMINERGIC POLYMORPHIC, 1, WITH OR WITHOUT ATRIAL DYSFUNCTION AND/OR DILATED CARDIOMYOPATHY; VENTRICULAR TACHYCARDIA, STRESS-INDUCED POLYMORPHIC 1; RYR2-Related Catecholaminergic Polymorphic Ventricular Tachycardia. Identifiers: Orphanet 3286, MedGen C1631597, MONDO:0011484, OMIM 604772.

Allele frequency attached by ClinVar (database versions not stated): gnomAD exomes below 0.00001.
gnomAD v4.1: 1 of 1,538,170 alleles (0.000065%); highest among the groups gnomAD compares: East Asian, 0.0024%; no homozygotes.

Submissions (2):

Ambry Genetics
Classification: Uncertain significance for Cardiovascular phenotype. Last evaluated: 2026-04-14. Review status: criteria provided, single submitter. Criteria: Ambry Variant Classification Scheme 2023. Collection method: clinical testing. Allele origin: germline.
Comment: The c.9129G>A variant (also known as p.R3043R), located in coding exon 65 of the RYR2 gene, results from a G to A substitution at nucleotide position 9129. This nucleotide substitution does not change the amino acid at codon 3043. However, this change occurs in the first base pair of coding exon 65, which makes it likely to have some effect on normal mRNA splicing. This nucleotide position is well conserved in available vertebrate species. In silico splice site analysis predicts that this alteration may result in the creation or strengthening of a novel splice acceptor site. Based on the available evidence, the clinical significance of this variant remains unclear.

Labcorp Genetics (formerly Invitae), Labcorp
Classification: Uncertain significance for Catecholaminergic polymorphic ventricular tachycardia 1. Last evaluated: 2021-06-15. Review status: criteria provided, single submitter. Criteria: Invitae Variant Classification Sherloc (09022015). Collection method: clinical testing. Allele origin: germline.
Comment: In summary, the available evidence is currently insufficient to determine the role of this variant in disease. Therefore, it has been classified as a Variant of Uncertain Significance. Algorithms developed to predict the effect of sequence changes on RNA splicing suggest that this variant is not likely to affect RNA splicing, but this prediction has not been confirmed by published transcriptional studies. This variant has not been reported in the literature in individuals with RYR2-related conditions. This variant is not present in population databases (ExAC no frequency). This sequence change affects codon 3043 of the RYR2 mRNA. It is a 'silent' change, meaning that it does not change the encoded amino acid sequence of the RYR2 protein.